The following is an entry in ClinVar:

ClinVar aggregate classification (germline): Uncertain significance (1 of 4 stars; one submission).

Allele frequency attached by ClinVar (database versions not stated): gnomAD exomes 0.00002; ExAC 0.00003; gnomAD 0.00005; TOPMed 0.00005; ESP Exome Variant Server 0.00008; 1000 Genomes Project 30x 0.00016; 1000 Genomes Project 0.00020.
gnomAD v4.1: 10 of 1,614,170 alleles (0.00062%); highest among the groups gnomAD compares: African/African-American, 0.013%; no homozygotes.

Submission:

Labcorp Genetics (formerly Invitae), Labcorp
Classification: Uncertain significance. Last evaluated: 2023-08-04. Review status: criteria provided, single submitter. Criteria: Invitae Variant Classification Sherloc (09022015). Collection method: clinical testing. Allele origin: germline.
Comment: ClinVar contains an entry for this variant (Variation ID: 967361). In summary, the available evidence is currently insufficient to determine the role of this variant in disease. Therefore, it has been classified as a Variant of Uncertain Significance. Advanced modeling of protein sequence and biophysical properties (such as structural, functional, and spatial information, amino acid conservation, physicochemical variation, residue mobility, and thermodynamic stability) performed at Invitae indicates that this missense variant is not expected to disrupt CNGA3 protein function. This variant has not been reported in the literature in individuals affected with CNGA3-related conditions. This variant is present in population databases (rs200979604, gnomAD 0.02%). This sequence change replaces tyrosine, which is neutral and polar, with histidine, which is basic and polar, at codon 199 of the CNGA3 protein (p.Tyr199His).

NM_001298.3(CNGA3):c.595T>C (p.Tyr199His)

Gene: CNGA3 (cyclic nucleotide gated channel subunit alpha 3; plus strand). Cytogenetic location: 2q11.2.
Variant type: single nucleotide variant.
Coding change: c.595T>C on transcript NM_001298.3 (MANE Select); coding-DNA position 595, T replaced by C.
Protein change: p.Tyr199His; replaces tyrosine 199 with histidine.
Molecular consequence: missense variant.
Genome position (GRCh38, 1-based): chr2:98,391,892, T>C. VCF-style: chr2-98391892-T-C. GRCh37 (hg19) VCF-style: chr2-99008355-T-C.
Other names: c.541T>C, p.Tyr181His (NM_001079878.2); short protein forms Y181H, Y199H.
Identifiers: ClinVar variation 967361 (VCV000967361.8), dbSNP rs200979604, ClinGen allele CA1793822.